The following is an entry in ClinVar:

ClinVar aggregate classification (germline): Uncertain significance. Review status: criteria provided, multiple submitters, no conflicts (2 of 4 stars). 5 submissions from 3 submitters: Uncertain significance (5). Last evaluated 2024-02-24.

Conditions:
Congenital myasthenic syndrome 15. Also called: Myasthenic syndrome, congenital, 15, without tubular aggregates. Identifiers: Orphanet 353327, Orphanet 590, MedGen C4015596, MONDO:0014542, OMIM 616227.
Myopathy, epilepsy, and progressive cerebral atrophy. Identifiers: MedGen C5436652, MONDO:0033619, OMIM 619036.
Intellectual developmental disorder with epilepsy, behavioral abnormalities, and coarse facies. Identifiers: MedGen C5436646, MONDO:0033572, OMIM 619031.

Allele frequency attached by ClinVar (database versions not stated): gnomAD 0.00001; gnomAD exomes 0.00001; TOPMed 0.00001; ExAC 0.00002.
gnomAD v4.1: 7 of 1,613,750 alleles (0.00043%); highest among the groups gnomAD compares: Admixed American, 0.0067%; no homozygotes.

Submissions (5):

Labcorp Genetics (formerly Invitae), Labcorp
Classification: Uncertain significance for Congenital myasthenic syndrome 15. Last evaluated: 2024-02-24. Review status: criteria provided, single submitter. Criteria: Invitae Variant Classification Sherloc (09022015). Collection method: clinical testing. Allele origin: germline.
Comment: This sequence change replaces serine, which is neutral and polar, with tyrosine, which is neutral and polar, at codon 83 of the ALG14 protein (p.Ser83Tyr). This variant is present in population databases (rs767402341, gnomAD 0.006%). This variant has not been reported in the literature in individuals affected with ALG14-related conditions. ClinVar contains an entry for this variant (Variation ID: 1361709). An algorithm developed to predict the effect of missense changes on protein structure and function (PolyPhen-2) suggests that this variant is likely to be tolerated. In summary, the available evidence is currently insufficient to determine the role of this variant in disease. Therefore, it has been classified as a Variant of Uncertain Significance.

Genome-Nilou Lab
Classification: Uncertain significance for Congenital myasthenic syndrome 15. Last evaluated: 2023-04-11. Review status: criteria provided, single submitter. Criteria: ACMG Guidelines, 2015. Collection method: clinical testing. Allele origin: germline. Affected: no.

Genome-Nilou Lab
Classification: Uncertain significance for Intellectual developmental disorder with epilepsy, behavioral abnormalities, and coarse facies. Last evaluated: 2023-04-11. Review status: criteria provided, single submitter. Criteria: ACMG Guidelines, 2015. Collection method: clinical testing. Allele origin: germline. Affected: no.

Genome-Nilou Lab
Classification: Uncertain significance for Myopathy, epilepsy, and progressive cerebral atrophy. Last evaluated: 2023-04-11. Review status: criteria provided, single submitter. Criteria: ACMG Guidelines, 2015. Collection method: clinical testing. Allele origin: germline. Affected: no.

Revvity Omics, Revvity
Classification: Uncertain significance. Last evaluated: 2021-04-05. Review status: criteria provided, single submitter. Criteria: ACMG Guidelines, 2015. Collection method: clinical testing. Allele origin: germline.

NM_144988.4(ALG14):c.248C>A (p.Ser83Tyr)

Genes: ALG14 (ALG14 UDP-N-acetylglucosaminyltransferase subunit; minus strand), ALG14-AS1 (ALG14 antisense RNA 1; plus strand). Cytogenetic location: 1p21.3.
Variant type: single nucleotide variant.
Coding change: c.248C>A on transcript NM_144988.4 (MANE Select); coding-DNA position 248, C replaced by A.
Protein change: p.Ser83Tyr; replaces serine 83 with tyrosine.
Molecular consequence: missense variant.
Genome position (GRCh38, 1-based): chr1:95,064,906, G>T on the plus strand (C>A on the coding strand, the complement: ALG14 is on the minus strand). VCF-style: chr1-95064906-G-T. GRCh37 (hg19) VCF-style: chr1-95530462-G-T.
Other names: c.248C>A, p.Ser83Tyr (NM_001305242.2); short protein forms S83Y.
Identifiers: ClinVar variation 1361709 (VCV001361709.8), dbSNP rs767402341, ClinGen allele CA961840.